The following is an entry in ClinVar:

ClinVar aggregate classification (germline): Uncertain significance (1 of 4 stars; one submission).

Conditions:
Myofibrillar myopathy 3 (MFM3). Also called: Autosomal dominant spheroid body myopathy; Muscular dystrophy, proximal, type 1A. Identifiers: Orphanet 266, Orphanet 268129, MedGen C3714934, MONDO:0012215, OMIM 609200.

Submission:

Labcorp Genetics (formerly Invitae), Labcorp
Classification: Uncertain significance for Myofibrillar myopathy 3. Last evaluated: 2022-07-22. Review status: criteria provided, single submitter. Criteria: Invitae Variant Classification Sherloc (09022015). Collection method: clinical testing. Allele origin: germline.
Comment: In summary, the available evidence is currently insufficient to determine the role of this variant in disease. Therefore, it has been classified as a Variant of Uncertain Significance. Algorithms developed to predict the effect of missense changes on protein structure and function (SIFT, PolyPhen-2, Align-GVGD) all suggest that this variant is likely to be tolerated. This variant has not been reported in the literature in individuals affected with MYOT-related conditions. This variant is not present in population databases (gnomAD no frequency). This sequence change replaces valine, which is neutral and non-polar, with leucine, which is neutral and non-polar, at codon 336 of the MYOT protein (p.Val336Leu).

NM_006790.3(MYOT):c.1006G>C (p.Val336Leu)

Genes: PKD2L2-DT (PKD2L2 divergent transcript; minus strand), MYOT (myotilin; plus strand). Cytogenetic location: 5q31.2.
Variant type: single nucleotide variant.
Coding change: c.1006G>C on transcript NM_006790.3 (MANE Select); coding-DNA position 1006, G replaced by C.
Protein change: p.Val336Leu; replaces valine 336 with leucine.
Molecular consequence: missense variant.
Genome position (GRCh38, 1-based): chr5:137,883,573, G>C. VCF-style: chr5-137883573-G-C. GRCh37 (hg19) VCF-style: chr5-137219262-G-C.
Other names: c.454G>C, p.Val152Leu (NM_001135940.2); c.661G>C, p.Val221Leu (NM_001300911.2); short protein forms V152L, V221L, V336L.
Identifiers: ClinVar variation 2100162 (VCV002100162.4), dbSNP rs2532018666, ClinGen allele CA361055913.
Genomic context (GRCh38, chr5:137,883,573, plus strand): 5'-TCAGATGCAGGGGCTTATGCATGTGTTGCCAAGAATAGAGCAGGAGAAGCCACCTTCACT[G>C]TGCAGCTGGATGTCCTTGGTAAGCCTCCAAAGAGACCCTTGAGAATTCCTTAAAATCCAG-3'
Protein context (NP_006781.1, residues 326-346): KNRAGEATFT[Val336Leu]QLDVLAKEHK